The following is an entry in ClinVar:

ClinVar aggregate classification (germline): Pathogenic (1 of 4 stars; one submission).

Submission:

Labcorp Genetics (formerly Invitae), Labcorp
Classification: Pathogenic. Last evaluated: 2025-08-04. Review status: criteria provided, single submitter. Criteria: Invitae Variant Classification Sherloc (09022015). Collection method: clinical testing. Allele origin: germline.
Comment: This sequence change creates a premature translational stop signal (p.Pro655Serfs*39) in the ADAMTSL4 gene. It is expected to result in an absent or disrupted protein product. Loss-of-function variants in ADAMTSL4 are known to be pathogenic (PMID: 20564469, 28642162). This variant is present in population databases (rs753751975, gnomAD 0.003%). This variant has not been reported in the literature in individuals affected with ADAMTSL4-related conditions. For these reasons, this variant has been classified as Pathogenic.

Literature cited by the submitters: PubMed 20564469; PubMed 28642162.

NM_019032.6(ADAMTSL4):c.1962_1966del (p.Pro655fs)

Genes: ADAMTSL4 (ADAMTS like 4; plus strand), ADAMTSL4-AS2 (ADAMTSL4 antisense RNA 2; minus strand). Cytogenetic location: 1q21.2.
Variant type: Microsatellite.
Coding change: c.1962_1966del on transcript NM_019032.6 (MANE Select); coding-DNA positions 1962 to 1966, 5 bases deleted (GCCCC; older notation c.1962_1966delGCCCC).
Protein change: p.Pro655fs; shifts the reading frame from proline 655.
Molecular consequence: frameshift variant. On other transcripts: intron variant (1).
Genome position (GRCh38, 1-based): chr1:150,557,250-150,557,254, GCCCC deleted; deleting any 5 consecutive bases within chr1:150,557,242-150,557,254 gives the same sequence; the c. name uses the placement nearest the transcript's 3' end. VCF-style (leftmost placement, unchanged base first): chr1-150557241-GCCCGC-G. GRCh37 (hg19) VCF-style: chr1-150529717-GCCCGC-G.
Other names: c.2031_2035del, p.Pro678fs (NM_001288608.2); c.1962_1966del, p.Pro655fs (NM_001378596.1, NM_025008.5); c.1857-12_1857-8del (NM_001288607.2); short protein forms P655fs, P678fs.
Identifiers: ClinVar variation 3717271 (VCV003717271.2).